The following is an entry in ClinVar:

NM_053025.4(MYLK):c.5642C>T (p.Thr1881Ile)

Genes: MYLK (myosin light chain kinase; minus strand), MYLK-AS1 (MYLK antisense RNA 1; plus strand). Cytogenetic location: 3q21.1.
Variant type: single nucleotide variant.
Coding change: c.5642C>T on transcript NM_053025.4 (MANE Select); coding-DNA position 5642, C replaced by T.
Protein change: p.Thr1881Ile; replaces threonine 1881 with isoleucine.
Molecular consequence: missense variant.
Genome position (GRCh38, 1-based): chr3:123,614,208, G>A on the plus strand (C>T on the coding strand, the complement: MYLK is on the minus strand). VCF-style: chr3-123614208-G-A. GRCh37 (hg19) VCF-style: chr3-123333055-G-A.
Other names: c.5114C>T, p.Thr1705Ile (NM_001321309.2); c.5435C>T, p.Thr1812Ile (NM_053026.4); c.5489C>T, p.Thr1830Ile (NM_053027.4); c.5282C>T, p.Thr1761Ile (NM_053028.4); c.359C>T, p.Thr120Ile (NM_053031.4); c.362C>T, p.Thr121Ile (NM_053032.4); short protein forms T1705I, T1812I, T1761I, T121I, T120I, T1830I, T1881I.
Identifiers: ClinVar variation 1748804 (VCV001748804.2), dbSNP rs1232047611, ClinGen allele CA354228730.
Genomic context (GRCh38, chr3:123,614,208, plus strand): 5'-GTTTCCACAATGAGCTCTGCTGTGCAGGTGGCTTCTCCAAGACTGTTGACAGCCTTGCAG[G>A]TGTACTTGGCATCGTCATCCCCGCAAACATCACTAATAATTAAAGAGCAGTTCCCGTCCT-3'
Protein context (NP_444253.3, residues 1871-1891): DVCGDDDAKY[Thr1881Ile]CKAVNSLGEA

ClinVar aggregate classification (germline): Uncertain significance (1 of 4 stars; one submission).

Conditions:
Familial thoracic aortic aneurysm and aortic dissection (TAAD). Also called: Thoracic aortic aneurysms and dissections. Identifiers: Orphanet 91387, MedGen C4707243, MONDO:0019625.

Submission:

Ambry Genetics
Classification: Uncertain significance for Familial thoracic aortic aneurysm and aortic dissection. Last evaluated: 2022-04-01. Review status: criteria provided, single submitter. Criteria: Ambry Variant Classification Scheme 2023. Collection method: clinical testing. Allele origin: germline.
Comment: The p.T1881I variant (also known as c.5642C>T), located in coding exon 31 of the MYLK gene, results from a C to T substitution at nucleotide position 5642. The threonine at codon 1881 is replaced by isoleucine, an amino acid with similar properties. This amino acid position is conserved. In addition, the in silico prediction for this alteration is inconclusive. Since supporting evidence is limited at this time, the clinical significance of this alteration remains unclear.